The following is an entry in ClinVar:

NM_000101.4(CYBA):c.533_534delinsC (p.Gly178fs)

Gene: CYBA (cytochrome b-245 alpha chain; minus strand). Cytogenetic location: 16q24.2.
Variant type: Indel.
Coding change: c.533_534delinsC on transcript NM_000101.4 (MANE Select); coding-DNA positions 533 to 534, GA replaced by C.
Protein change: p.Gly178fs; shifts the reading frame from glycine 178.
Molecular consequence: frameshift variant.
Genome position (GRCh38, 1-based): chr16:88,643,407-88,643,408, TC replaced by G on the plus strand (GA replaced by C on the coding strand, the reverse complement: CYBA is on the minus strand). VCF-style: chr16-88643407-TC-G. GRCh37 (hg19) VCF-style: chr16-88709815-TC-G.
Other names: short protein forms G178fs.
Identifiers: ClinVar variation 4817430 (VCV004817430.1).
Genomic context (GRCh38, chr16:88,643,407, plus strand): 5'-GCGAGGTCACACGACCTCGTCGGTCACCGGGATGGGGTTGACCTGGGGACCTCCCGGGGG[TC>G]CCCCCGCCGCCACCGCAGCCTCCTCCTCGCTGGGCTTCTTGCGGGCCTCGGCCGGGGGCC-3'

ClinVar aggregate classification (germline): Likely pathogenic (1 of 4 stars; one submission).

Conditions:
Chronic granulomatous disease. Identifiers: Orphanet 379, MedGen C0018203, MONDO:0018305.

Submission:

Natera, Inc.
Classification: Likely pathogenic for Chronic granulomatous disease. Last evaluated: 2024-10-16. Review status: criteria provided, single submitter. Criteria: Natera Variant Classification Schema (03/2026). Collection method: clinical testing. Allele origin: germline.
Comment: The c.533_534delinsC variant in CYBA is a frameshift variant predicted to shift the reading frame beginning at codon 178 and leads to a stop codon 13 codons downstream. This variant is expected to result in nonsense mediated decay, truncation, or a dysfunctional protein product. This variant is rare in the general population with a frequency below the threshold expected for the associated phenotype(s). Given the available evidence, this variant is classified as Likely Pathogenic.